The following is an entry in ClinVar:

ClinVar aggregate classification (germline): Pathogenic (1 of 4 stars; one submission).

Conditions:
Hereditary cancer-predisposing syndrome. Also called: Hereditary neoplastic syndrome; Tumor predisposition; Hereditary Cancer Syndrome; Neoplastic Syndromes, Hereditary. Identifiers: Orphanet 140162, MedGen C0027672, MeSH D009386, MONDO:0015356.

Submission:

Ambry Genetics
Classification: Pathogenic for Hereditary cancer-predisposing syndrome. Last evaluated: 2023-09-11. Review status: criteria provided, single submitter. Criteria: Ambry Variant Classification Scheme 2023. Collection method: clinical testing. Allele origin: germline.
Comment: The c.695_696delAAinsT pathogenic mutation, located in coding exon 4 of the BARD1 gene, results from the deletion of two nucleotides and insertion of one nucleotide causing a translational frameshift with a predicted alternate stop codon (p.K232Mfs*23). This variant is considered to be rare based on population cohorts in the Genome Aggregation Database (gnomAD). This alteration is expected to result in loss of function by premature protein truncation or nonsense-mediated mRNA decay. As such, this alteration is interpreted as a disease-causing mutation.

NM_000465.4(BARD1):c.695_696delinsT (p.Lys232fs)

Gene: BARD1 (BRCA1 associated RING domain 1; minus strand). Cytogenetic location: 2q35.
Variant type: Indel.
Coding change: c.695_696delinsT on transcript NM_000465.4 (MANE Select); coding-DNA positions 695 to 696, AA replaced by T.
Protein change: p.Lys232fs; shifts the reading frame from lysine 232.
Molecular consequence: frameshift variant. On other transcripts: non-coding transcript variant (2), intron variant (3).
Genome position (GRCh38, 1-based): chr2:214,781,178-214,781,179, TT replaced by A on the plus strand (AA replaced by T on the coding strand, the reverse complement: BARD1 is on the minus strand). VCF-style: chr2-214781178-TT-A. GRCh37 (hg19) VCF-style: chr2-215645902-TT-A.
Other names: c.638_639delinsT, p.Lys213fs (NM_001282543.2); c.158+28233_158+28234delinsT (NM_001282548.2); c.215+15882_215+15883delinsT (NM_001282545.2); c.364+11118_364+11119delinsT (NM_001282549.2); short protein forms K232fs, K213fs.
Identifiers: ClinVar variation 2585719 (VCV002585719.2), dbSNP rs2469509853, ClinGen allele CA2582342095.